The following is an entry in ClinVar:

ClinVar aggregate classification (germline): Uncertain significance (1 of 4 stars; one submission).

Submission:

Labcorp Genetics (formerly Invitae), Labcorp
Classification: Uncertain significance. Last evaluated: 2025-03-09. Review status: criteria provided, single submitter. Criteria: Invitae Variant Classification Sherloc (09022015). Collection method: clinical testing. Allele origin: germline.
Comment: This sequence change replaces leucine, which is neutral and non-polar, with arginine, which is basic and polar, at codon 1825 of the POLE protein (p.Leu1825Arg). This variant is not present in population databases (gnomAD no frequency). This variant has not been reported in the literature in individuals affected with POLE-related conditions. Invitae Evidence Modeling of protein sequence and biophysical properties (such as structural, functional, and spatial information, amino acid conservation, physicochemical variation, residue mobility, and thermodynamic stability) indicates that this missense variant is expected to disrupt POLE protein function with a positive predictive value of 80%. In summary, the available evidence is currently insufficient to determine the role of this variant in disease. Therefore, it has been classified as a Variant of Uncertain Significance.

NM_006231.4(POLE):c.5474T>G (p.Leu1825Arg)

Gene: POLE (DNA polymerase epsilon, catalytic subunit; minus strand). Cytogenetic location: 12q24.33.
Variant type: single nucleotide variant.
Coding change: c.5474T>G on transcript NM_006231.4 (MANE Select); coding-DNA position 5474, T replaced by G.
Protein change: p.Leu1825Arg; replaces leucine 1825 with arginine.
Molecular consequence: missense variant.
Genome position (GRCh38, 1-based): chr12:132,639,203, A>C on the plus strand (T>G on the coding strand, the complement: POLE is on the minus strand). VCF-style: chr12-132639203-A-C. GRCh37 (hg19) VCF-style: chr12-133215789-A-C.
Other names: short protein forms L1825R.
Identifiers: ClinVar variation 4740954 (VCV004740954.1).
Genomic context (GRCh38, chr12:132,639,203, plus strand): 5'-ATCATGTTGTGGAGTGTGCGGTGCAGGGCAGGGTCATGAAGCAGAGAGGATGGCGACCGA[A>C]GCCAGCGGTAGAAGTGCATCACCTGGTTGTCTGCATAGATGTTGTGGTACTGGGTGATCT-3'
Protein context (NP_006222.2, residues 1815-1835): DNQVMHFYRW[Leu1825Arg]RSPSSLLHDP